The following is an entry in ClinVar:

ClinVar aggregate classification (germline): Uncertain significance (1 of 4 stars; one submission).

Submission:

Labcorp Genetics (formerly Invitae), Labcorp
Classification: Uncertain significance. Last evaluated: 2022-11-10. Review status: criteria provided, single submitter. Criteria: Invitae Variant Classification Sherloc (09022015). Collection method: clinical testing. Allele origin: germline.
Comment: This variant is not present in population databases (gnomAD no frequency). In summary, the available evidence is currently insufficient to determine the role of this variant in disease. Therefore, it has been classified as a Variant of Uncertain Significance. Algorithms developed to predict the effect of missense changes on protein structure and function (SIFT, PolyPhen-2, Align-GVGD) all suggest that this variant is likely to be disruptive. This variant has not been reported in the literature in individuals affected with RP1-related conditions. This sequence change replaces glutamic acid, which is acidic and polar, with glutamine, which is neutral and polar, at codon 551 of the RP1 protein (p.Glu551Gln).

NM_006269.2(RP1):c.1651G>C (p.Glu551Gln)

Gene: RP1 (RP1 axonemal microtubule associated; plus strand). Cytogenetic location: 8q12.1.
Variant type: single nucleotide variant.
Coding change: c.1651G>C on transcript NM_006269.2 (MANE Select); coding-DNA position 1651, G replaced by C.
Protein change: p.Glu551Gln; replaces glutamic acid 551 with glutamine.
Molecular consequence: missense variant. On other transcripts: intron variant (1).
Genome position (GRCh38, 1-based): chr8:54,625,533, G>C. VCF-style: chr8-54625533-G-C. GRCh37 (hg19) VCF-style: chr8-55538093-G-C.
Other names: c.787+3245G>C (NM_001375654.1); short protein forms E551Q.
Identifiers: ClinVar variation 2983442 (VCV002983442.3), dbSNP rs1215215588, ClinGen allele CA370991115.
Genomic context (GRCh38, chr8:54,625,533, plus strand): 5'-TTAGAAAGAAAAAAGGAAAACAGTCTGCTTAAGTCAAGTGCAATAAGTGCTGGTGTTATA[G>C]AAATTACAAGTCAGAAGATGTTAGAGATGTCACATAATAATGGTTTGCCATCAACTATAT-3'
Protein context (NP_006260.1, residues 541-561): KSSAISAGVI[Glu551Gln]ITSQKMLEMS